The following is an entry in ClinVar:

NM_020340.5(ARFGEF3):c.567A>G (p.Pro189=)

Gene: ARFGEF3 (ARFGEF family member 3; plus strand). Cytogenetic location: 6q23.3.
Variant type: single nucleotide variant.
Coding change: c.567A>G on transcript NM_020340.5 (MANE Select); coding-DNA position 567, A replaced by G.
Protein change: p.Pro189=; no amino-acid change (proline 189 retained).
Molecular consequence: synonymous variant.
Genome position (GRCh38, 1-based): chr6:138,242,975, A>G. VCF-style: chr6-138242975-A-G. GRCh37 (hg19) VCF-style: chr6-138564112-A-G.
Identifiers: ClinVar variation 5040514 (VCV005040514.1).

ClinVar aggregate classification (germline): Likely benign (1 of 4 stars; one submission).

Submission:

CeGaT Center for Human Genetics Tuebingen
Classification: Likely benign. Last evaluated: 2026-08-01. Review status: criteria provided, single submitter. Criteria: CeGaT Center For Human Genetics Tuebingen Variant Classification Criteria Version 2. Collection method: clinical testing. Allele origin: germline. Affected: yes. Observed: 1 variant allele.
Comment: ARFGEF3: PM2:Supporting, BP4, BP7